The following is an entry in ClinVar:

NM_002878.4(RAD51D):c.774dup (p.Arg259fs)

Genes: RAD51L3-RFFL (RAD51L3-RFFL readthrough; minus strand), RAD51D (RAD51 paralog D; minus strand). Cytogenetic location: 17q12.
Variant type: Duplication.
Coding change: c.774dup on transcript NM_002878.4 (MANE Select); coding-DNA position 774, one base duplicated (G; older notation c.774dupG).
Protein change: p.Arg259fs; shifts the reading frame from arginine 259.
Molecular consequence: frameshift variant. On other transcripts: non-coding transcript variant (3).
Genome position (GRCh38, 1-based): chr17:35,101,330, C duplicated on the plus strand (G on the coding strand, the reverse complement: RAD51D is on the minus strand); the first of 3 consecutive C bases (chr17:35,101,330-35,101,332); duplicating any one gives the same sequence. VCF-style (leftmost placement, unchanged base first): chr17-35101329-T-TC. GRCh37 (hg19) VCF-style: chr17-33428348-T-TC.
Other names: c.834dup, p.Arg279fs (NM_001142571.2); c.438dup, p.Arg147fs (NM_133629.3); c.774dupG (NM_002878.3); short protein forms R279fs, R147fs, R259fs.
Identifiers: ClinVar variation 418921 (VCV000418921.8), dbSNP rs1555567170, ClinGen allele CA16620381.
Genomic context (GRCh38, chr17:35,101,329, plus strand): 5'-CCAGGAGAATCCGAGTGCTGGGCACAAAGCTCCAGGAGCGTCCGAGGGCAGGTTTGAGCC[T>TC]CCCGCTGTCCCTGTCTCGAGTTATGTGGTTGGTCACCTGCAGCAGAAACAGACTTACAGA-3'

ClinVar aggregate classification (germline): Likely pathogenic. Review status: criteria provided, multiple submitters, no conflicts (2 of 4 stars). 4 submissions from 4 submitters: Likely pathogenic (4). Last evaluated 2024-03-16.

Conditions:
Breast-ovarian cancer, familial, susceptibility to, 4. Identifiers: Orphanet 145, MedGen C3280345, MONDO:0013669, OMIM 614291.
Hereditary cancer-predisposing syndrome. Also called: Hereditary neoplastic syndrome; Tumor predisposition; Neoplastic Syndromes, Hereditary; Hereditary Cancer Syndrome. Identifiers: Orphanet 140162, MedGen C0027672, MeSH D009386, MONDO:0015356.

Submissions (4):

Labcorp Genetics (formerly Invitae), Labcorp
Classification: Likely pathogenic for Breast-ovarian cancer, familial, susceptibility to, 4. Last evaluated: 2024-03-16. Review status: criteria provided, single submitter. Criteria: Invitae Variant Classification Sherloc (09022015). Collection method: clinical testing. Allele origin: germline.
Comment: This sequence change creates a premature translational stop signal (p.Arg259Glufs*68) in the RAD51D gene. While this is not anticipated to result in nonsense mediated decay, it is expected to disrupt the last 70 amino acid(s) of the RAD51D protein. This variant is not present in population databases (gnomAD no frequency). This variant has not been reported in the literature in individuals affected with RAD51D-related conditions. ClinVar contains an entry for this variant (Variation ID: 418921). This variant disrupts the ATPase domain and RAD51C interaction domain of the RAD51D protein, which are necessary for the DNA repair activity (PMID: 14704354, 19327148, 21111057, 10749867). While functional studies have not been performed to directly test the effect of this variant on RAD51D protein function, this suggests that disruption of this region of the protein is causative of disease. In summary, the currently available evidence indicates that the variant is pathogenic, but additional data are needed to prove that conclusively. Therefore, this variant has been classified as Likely Pathogenic.

Myriad Genetics, Inc.
Classification: Likely pathogenic for Breast-ovarian cancer, familial, susceptibility to, 4. Last evaluated: 2023-11-30. Review status: criteria provided, single submitter. Criteria: Myriad Autosomal Dominant, Autosomal Recessive and X-Linked Classification Criteria (2023). Collection method: clinical testing. Allele origin: unknown.
Comment: This variant is considered likely pathogenic. This variant creates a frameshift predicted to result in premature protein truncation.

Ambry Genetics
Classification: Likely pathogenic for Hereditary cancer-predisposing syndrome. Last evaluated: 2023-10-11. Review status: criteria provided, single submitter. Criteria: Ambry Variant Classification Scheme 2023. Collection method: clinical testing. Allele origin: germline.
Comment: The c.774dupG variant, located in coding exon 9 of the RAD51D gene, results from a duplication of G at nucleotide position 774, causing a translational frameshift with a predicted alternate stop codon (p.R259Efs*68). This alteration occurs at the 3' terminus of the RAD51D gene, is not expected to trigger nonsense-mediated mRNA decay, and only impacts the last 70 amino acids of the protein. However, premature stop codons are typically deleterious in nature and the impacted region is critical for protein function (Ambry internal data). Structural analysis suggests that this alteration alters a region believed to be important for ATP binding in the nucleofilament, including a strongly conserved proline (Amunugama R et al. J Biol Chem. 2012 Mar;287:8724-36; Ambry internal data). Based on the majority of available evidence to date, this variant is likely to be pathogenic.

GeneDx
Classification: Likely pathogenic. Last evaluated: 2018-01-15. Review status: criteria provided, single submitter. Criteria: GeneDx Variant Classification (06012015). Collection method: clinical testing. Allele origin: germline. Affected: yes.
Comment: This duplication of one nucleotide in RAD51D is denoted c.774dupG at the cDNA level and p.Arg259GlufsX68 (R259EfsX68) at the protein level. The normal sequence, with the base that is duplicated in brackets, is GCGG[dupG]AGGC. The duplication causes a frameshift which changes an Arginine to a Glutamic Acid at codon 259, and creates a premature stop codon at position 68 in the last exon of the new reading frame. Even though nonsense-mediated decay is not expected to occur, it is significant since the last 70 amino acids are replaced by 67 incorrect amino acids which disrupts the RAD51C binding domain (Miller 2004). This variant has not, to our knowledge, been reported in the literature. Based on the currently available information, we consider this duplication to be a likely pathogenic variant.

Literature cited by the submitters: PubMed 14704354 (cited by Labcorp Genetics (formerly Invitae), Labcorp); PubMed 19327148 (cited by Labcorp Genetics (formerly Invitae), Labcorp); PubMed 21111057 (cited by Labcorp Genetics (formerly Invitae), Labcorp); PubMed 10749867 (cited by Labcorp Genetics (formerly Invitae), Labcorp); PubMed 22275364 (cited by Ambry Genetics); PubMed 26057125 (cited by Ambry Genetics).